The following is an entry in ClinVar:

NM_006031.6(PCNT):c.5409C>T (p.Ser1803=)

Gene: PCNT (pericentrin; plus strand). Cytogenetic location: 21q22.3.
Variant type: single nucleotide variant.
Coding change: c.5409C>T on transcript NM_006031.6 (MANE Select); coding-DNA position 5409, C replaced by T.
Protein change: p.Ser1803=; no amino-acid change (serine 1803 retained).
Molecular consequence: synonymous variant.
Genome position (GRCh38, 1-based): chr21:46,411,482, C>T. VCF-style: chr21-46411482-C-T. GRCh37 (hg19) VCF-style: chr21-47831396-C-T.
Other names: c.5409C>T (NM_006031.5); c.5055C>T, p.Ser1685= (NM_001315529.2).
Identifiers: ClinVar variation 1624303 (VCV001624303.9), dbSNP rs1386858499, ClinGen allele CA513174582.

ClinVar aggregate classification (germline): Likely benign. Review status: criteria provided, single submitter (1 of 4 stars). 2 submissions from 2 submitters: Likely benign (1). 1 of the submissions does not count toward it. Last evaluated 2025-03-26.

Conditions:
PCNT-related disorder. Also called: PCNT-related condition.

Allele frequency attached by ClinVar (database versions not stated): TOPMed 0.00002.
gnomAD v4.1: 5 of 1,609,236 alleles (0.00031%); highest among the groups gnomAD compares: Admixed American, 0.0067%; no homozygotes.

Submissions (2):

Labcorp Genetics (formerly Invitae), Labcorp
Classification: Likely benign. Last evaluated: 2025-03-26. Review status: criteria provided, single submitter. Criteria: Invitae Variant Classification Sherloc (09022015). Collection method: clinical testing. Allele origin: germline.

PreventionGenetics, part of Exact Sciences
Classification: Likely benign for PCNT-related condition. Last evaluated: 2021-10-05. Review status: no assertion criteria provided. Collection method: clinical testing. Allele origin: germline. Not counted in ClinVar's aggregate classification.
Comment: This variant is classified as likely benign based on ACMG/AMP sequence variant interpretation guidelines (Richards et al. 2015 PMID: 25741868, with internal and published modifications).